The following is an entry in ClinVar:

ClinVar aggregate classification (germline): Uncertain significance (1 of 4 stars; one submission).

Allele frequency attached by ClinVar (database versions not stated): gnomAD 0.00003; gnomAD exomes 0.00004; TOPMed 0.00005; ExAC 0.00010.
gnomAD v4.1: 61 of 1,613,748 alleles (0.0038%); highest among the groups gnomAD compares: Admixed American, 0.03%; no homozygotes.

Submission:

Labcorp Genetics (formerly Invitae), Labcorp
Classification: Uncertain significance. Last evaluated: 2022-06-22. Review status: criteria provided, single submitter. Criteria: Invitae Variant Classification Sherloc (09022015). Collection method: clinical testing. Allele origin: germline.
Comment: In summary, the available evidence is currently insufficient to determine the role of this variant in disease. Therefore, it has been classified as a Variant of Uncertain Significance. Algorithms developed to predict the effect of sequence changes on RNA splicing suggest that this variant may disrupt the consensus splice site. Algorithms developed to predict the effect of missense changes on protein structure and function (SIFT, PolyPhen-2, Align-GVGD) all suggest that this variant is likely to be tolerated. This variant has not been reported in the literature in individuals affected with ABCD3-related conditions. The frequency data for this variant in the population databases is considered unreliable, as metrics indicate poor data quality at this position in the gnomAD database. This sequence change replaces methionine, which is neutral and non-polar, with valine, which is neutral and non-polar, at codon 313 of the ABCD3 protein (p.Met313Val).

NM_002858.4(ABCD3):c.937A>G (p.Met313Val)

Gene: ABCD3 (ATP binding cassette subfamily D member 3; plus strand). Cytogenetic location: 1p21.3.
Variant type: single nucleotide variant.
Coding change: c.937A>G on transcript NM_002858.4 (MANE Select); coding-DNA position 937, A replaced by G.
Protein change: p.Met313Val; replaces methionine 313 with valine.
Molecular consequence: missense variant.
Genome position (GRCh38, 1-based): chr1:94,487,581, A>G. VCF-style: chr1-94487581-A-G. GRCh37 (hg19) VCF-style: chr1-94953137-A-G.
Other names: short protein forms M313V.
Identifiers: ClinVar variation 2187484 (VCV002187484.4), dbSNP rs564987217, ClinGen allele CA960287.